The following is an entry in ClinVar:

NM_001378454.1(ALMS1):c.7737_7738insTTTTTTTTTTTTTTTTTTNNNNNNNNNNACGGAGTCTTGCTCTGTTGTCTGGGTGGAGTGCAGTGGTGCAATCTCGGCTCACTGCAACCTCTGCCTCCCAGGTTGAAGCGATTTTCCTGCCTCAGCCTCCGTCACATTATTATT (p.Ile2579_Glu2580insPhePhePhePhePhePheXaaXaaXaaXaaGlyValLeuLeuCysCysLeuGlyGlyValGlnTrpCysAsnLeuGlySerLeuGlnProLeuProProArgLeuLysArgPheSerCysLeuSerLeuArgHisIleIleIle)

Gene: ALMS1 (ALMS1 centrosome and basal body associated protein; plus strand). Cytogenetic location: 2p13.1.
Variant type: Insertion.
Coding change: c.7737_7738insTTTTTTTTTTTTTTTTTTNNNNNNNNNNACGGAGTCTTGCTCTGTTGTCTGGGTGGAGTGCAGTGGTGCAATCTCGGCTCACTGCAACCTCTGCCTCCCAGGTTGAAGCGATTTTCCTGCCTCAGCCTCCGTCACATTATTATT on transcript NM_001378454.1 (MANE Select); coding-DNA positions 7737 to 7738, TTTTTTTTTTTTTTTTTTNNNNNNNNNNACGGAGTCTTGCTCTGTTGTCTGGGTGGAGTGCAGTGGTGCAATCTCGGCTCACTGCAACCTCTGCCTCCCAGGTTGAAGCGATTTTCCTGCCTCAGCCTCCGTCACATTATTATT inserted.
Protein change: p.Ile2579_Glu2580insPhePhePhePhePhePheXaaXaaXaaXaaGlyValLeuLeuCysCysLeuGlyGlyValGlnTrpCysAsnLeuGlySerLeuGlnProLeuProProArgLeuLysArgPheSerCysLeuSerLeuArgHisIleIleIle.
Molecular consequence: inframe insertion.
Genome position: GRCh38: chr2:73,489,696-73,489,697. GRCh37 (hg19): chr2:73,716,823-73,716,824.
Other names: c.7740_7741insTTTTTTTTTTTTTTTTTTNNNNNNNNNNACGGAGTCTTGCTCTGTTGTCTGGGTGGAGTGCAGTGGTGCAATCTCGGCTCACTGCAACCTCTGCCTCCCAGGTTGAAGCGATTTTCCTGCCTCAGCCTCCGTCACATTATTATT, p.Ile2580_Glu2581insPhePhePhePhePhePheXaaXaaXaaXaaGlyValLeuLeuCysCysLeuGlyGlyValGlnTrpCysAsnLeuGlySerLeuGlnProLeuProProArgLeuLysArgPheSerCysLeuSerLeuArgHisIleIleIle (NM_015120.4).
Identifiers: ClinVar variation 1434598 (VCV001434598.6), dbSNP rs2103889249.

ClinVar aggregate classification (germline): Pathogenic (1 of 4 stars; one submission).

Conditions:
Alstrom syndrome (ALMS). Identifiers: Orphanet 64, MedGen C0268425, MONDO:0008763, OMIM 203800.

Submission:

Labcorp Genetics (formerly Invitae), Labcorp
Classification: Pathogenic for Alstrom syndrome. Last evaluated: 2026-01-04. Review status: criteria provided, single submitter. Criteria: Invitae Variant Classification Sherloc (09022015). Collection method: clinical testing. Allele origin: germline.
Comment: This sequence change inserts a large fragment of DNA, likely a transposable element, in exon 10 of the ALMS1 gene (c.7740_7741ins?), causing a frameshift at codon 2580 (p.Ile2580fs). The exact size and sequence of the insertion cannot be determined by the current assay. However, the insertion is expected to result in an absent or disrupted protein product. This variant is not present in population databases (gnomAD no frequency). This variant has not been reported in the literature in individuals affected with ALMS1-related conditions. Retrotransposon insertions including LINE1 (L1), Alu, and SVA (SINE-VNTR-Alu) have been reported to be disease-causing through disruption of either a coding region or splice site (PMID: 19763152, 20307669, 22406018) and loss-of-function variants in ALMS1 are known to be pathogenic (PMID: 17594715). For these reasons, this variant has been classified as Pathogenic.

Literature cited by the submitters: PubMed 19763152; PubMed 20307669; PubMed 22406018; PubMed 17594715.